The following is an entry in ClinVar:

ClinVar aggregate classification (germline): Benign/Likely benign. Review status: criteria provided, multiple submitters, no conflicts (2 of 4 stars). 3 submissions from 3 submitters: Benign (1); Likely benign (2). Last evaluated 2024-09-12.

Conditions:
Polycystic kidney disease, adult type (PKD1). Also called: Polycystic Kidney, Autosomal Dominant; POLYCYSTIC KIDNEY DISEASE, ADULT, TYPE I; Polycystic Kidney Disease 1, Autosomal Dominant; Polycystic kidney disease 1; Polycystic kidney disease 1, severe; POLYCYSTIC KIDNEY DISEASE 1 WITH OR WITHOUT POLYCYSTIC LIVER DISEASE. Identifiers: MedGen C3149841, MONDO:0008263, OMIM 173900.

Allele frequency attached by ClinVar (database versions not stated): gnomAD 0.00001 and 0.00003; TOPMed 0.00002; gnomAD exomes 0.00011 and 0.00020; ExAC 0.00024.
gnomAD v4.1: 181 of 1,611,902 alleles (0.011%); highest among the groups gnomAD compares: Middle Eastern, 0.13%; 5 homozygotes.

Submissions (3):

Blueprint Genetics
Classification: Likely benign. Last evaluated: 2024-09-12. Review status: criteria provided, single submitter. Criteria: ACMG Guidelines, 2015. Collection method: clinical testing. Allele origin: germline.

CeGaT Center for Human Genetics Tuebingen
Classification: Benign. Last evaluated: 2022-07-01. Review status: criteria provided, single submitter. Criteria: CeGaT Center For Human Genetics Tuebingen Variant Classification Criteria Version 2. Collection method: clinical testing. Allele origin: germline. Affected: yes. Observed: 1 variant allele.
Comment: PKD1: BS1, BS2

ARUP Laboratories, Molecular Genetics and Genomics, ARUP Laboratories
Classification: Likely benign for Polycystic kidney disease, adult type. Last evaluated: 2020-04-22. Review status: criteria provided, single submitter. Criteria: ARUP Molecular Germline Variant Investigation Process. Collection method: clinical testing. Allele origin: germline.

NM_001009944.3(PKD1):c.12004-17A>G

Gene: PKD1 (polycystin 1, transient receptor potential channel interacting; minus strand). Cytogenetic location: 16p13.3.
Variant type: single nucleotide variant.
Coding change: c.12004-17A>G on transcript NM_001009944.3 (MANE Select); 17 bases into the intron before coding-DNA position 12004, A replaced by G.
Molecular consequence: intron variant.
Genome position (GRCh38, 1-based): chr16:2,090,825, T>C on the plus strand (A>G on the coding strand, the complement: PKD1 is on the minus strand). VCF-style: chr16-2090825-T-C. GRCh37 (hg19) VCF-style: chr16-2140826-T-C.
Other names: c.12001-17A>G (NM_000296.4).
Identifiers: ClinVar variation 994328 (VCV000994328.33), dbSNP rs749829518, ClinGen allele CA7828887.